The following is an entry in ClinVar:

ClinVar aggregate classification (germline): Uncertain significance. Review status: criteria provided, multiple submitters, no conflicts (2 of 4 stars). 3 submissions from 3 submitters: Uncertain significance (3). Last evaluated 2025-06-12.

Conditions:
Propionic acidemia (PROP). Also called: GLYCINEMIA, KETOTIC; HYPERGLYCINEMIA WITH KETOACIDOSIS AND LEUKOPENIA; KETOTIC HYPERGLYCINEMIA. Identifiers: Orphanet 35, MedGen C0268579, MONDO:0011628, OMIM 606054, HP:0003571.

Allele frequency attached by ClinVar (database versions not stated): gnomAD 0.00002; TOPMed 0.00002.
gnomAD v4.1: 38 of 1,612,962 alleles (0.0024%); highest among the groups gnomAD compares: Non-Finnish European, 0.0031%; no homozygotes.

Submissions (3):

GeneDx
Classification: Uncertain significance. Last evaluated: 2025-06-12. Review status: criteria provided, single submitter. Criteria: GeneDx Variant Classification Process June 2021. Collection method: clinical testing. Allele origin: germline. Affected: yes.
Comment: Not observed at significant frequency in large population cohorts (gnomAD); In silico analysis supports that this missense variant has a deleterious effect on protein structure/function; Has not been previously published as pathogenic or benign to our knowledge

Fulgent Genetics
Classification: Uncertain significance for Propionic acidemia. Last evaluated: 2021-07-06. Review status: criteria provided, single submitter. Criteria: ACMG Guidelines, 2015. Collection method: clinical testing. Allele origin: unknown.

Illumina Laboratory Services, Illumina
Classification: Uncertain significance for Propionic acidemia. Last evaluated: 2018-01-13. Review status: criteria provided, single submitter. Criteria: ICSL Variant Classification Criteria 13 December 2019. Collection method: clinical testing. Allele origin: germline.

NM_000282.4(PCCA):c.946A>T (p.Met316Leu)

Gene: PCCA (propionyl-CoA carboxylase subunit alpha; plus strand). Cytogenetic location: 13q32.3.
Variant type: single nucleotide variant.
Coding change: c.946A>T on transcript NM_000282.4 (MANE Select); coding-DNA position 946, A replaced by T.
Protein change: p.Met316Leu; replaces methionine 316 with leucine.
Molecular consequence: missense variant. On other transcripts: initiator codon variant (3), non-coding transcript variant (5).
Genome position (GRCh38, 1-based): chr13:100,273,227, A>T. VCF-style: chr13-100273227-A-T. GRCh37 (hg19) VCF-style: chr13-100925481-A-T.
Other names: c.1A>T, p.Met1Leu (NM_001352610.2, NM_001352611.2, NM_001352612.2); c.868A>T, p.Met290Leu (NM_001127692.3, NM_001352607.2, NM_001352608.2); c.946A>T, p.Met316Leu (NM_001178004.2, NM_001352605.2, NM_001352606.2 and 1 more transcripts); short protein forms M316L, M1L, M290L.
Identifiers: ClinVar variation 880841 (VCV000880841.7), dbSNP rs200311920, ClinGen allele CA255984121.